The following is an entry in ClinVar:

NM_001370466.1(NOD2):c.747G>A (p.Leu249=)

Gene: NOD2 (nucleotide binding oligomerization domain containing 2; plus strand). Cytogenetic location: 16q12.1.
Variant type: single nucleotide variant.
Coding change: c.747G>A on transcript NM_001370466.1 (MANE Select); coding-DNA position 747, G replaced by A.
Protein change: p.Leu249=; no amino-acid change (leucine 249 retained).
Molecular consequence: synonymous variant. On other transcripts: non-coding transcript variant (1).
Genome position (GRCh38, 1-based): chr16:50,710,739, G>A. VCF-style: chr16-50710739-G-A. GRCh37 (hg19) VCF-style: chr16-50744650-G-A.
Other names: c.747G>A, p.Leu249= (NM_001293557.2); c.828G>A, p.Leu276= (NM_022162.3); c.828G>A (LRG_177t1).
Identifiers: ClinVar variation 319437 (VCV000319437.13), dbSNP rs763504952, ClinGen allele CA8051407.

ClinVar aggregate classification (germline): Conflicting classifications of pathogenicity. Review status: criteria provided, conflicting classifications (1 of 4 stars). 4 submissions from 3 submitters: Uncertain significance (1); Benign (2); Likely benign (1). Last evaluated 2025-03-11.

Conditions:
Blau syndrome (BLAUS). Also called: GRANULOMATOSIS, FAMILIAL JUVENILE SYSTEMIC; GRANULOMATOSIS, FAMILIAL, BLAU TYPE; GRANULOMATOUS INFLAMMATORY ARTHRITIS, DERMATITIS, AND UVEITIS, FAMILIAL; JABS SYNDROME; ARTHROCUTANEOUVEAL GRANULOMATOSIS. Identifiers: Orphanet 90340, MedGen C5201146, MONDO:0008523, OMIM 186580.
Regional enteritis. Also called: Enteritis, Granulomatous. Identifiers: MedGen C0678202, MeSH D003424.
Inflammatory bowel disease 1 (IBD1). Also called: INFLAMMATORY BOWEL DISEASE (CROHN DISEASE) 1; Inflammatory bowel disease 1, Crohn disease. Identifiers: MedGen CN260071, MONDO:0009960, OMIM 266600.

Allele frequency attached by ClinVar (database versions not stated): gnomAD below 0.00001 and 0.00004; TOPMed 0.00001; gnomAD exomes 0.00005 and 0.00013; ExAC 0.00014.
gnomAD v4.1: 75 of 1,613,730 alleles (0.0046%); highest among the groups gnomAD compares: South Asian, 0.082%; no homozygotes.

Submissions (4):

Labcorp Genetics (formerly Invitae), Labcorp
Classification: Benign for Regional enteritis; Blau syndrome. Last evaluated: 2025-03-11. Review status: criteria provided, single submitter. Criteria: Invitae Variant Classification Sherloc (09022015). Collection method: clinical testing. Allele origin: germline.

Blueprint Genetics
Classification: Likely benign. Last evaluated: 2024-11-21. Review status: criteria provided, single submitter. Criteria: ACMG Guidelines, 2015. Collection method: clinical testing. Allele origin: germline.

Illumina Laboratory Services, Illumina
Classification: Uncertain significance for Inflammatory bowel disease 1. Last evaluated: 2018-01-13. Review status: criteria provided, single submitter. Criteria: ICSL Variant Classification Criteria 13 December 2019. Collection method: clinical testing. Allele origin: germline.

Illumina Laboratory Services, Illumina
Classification: Benign for Blau syndrome. Last evaluated: 2018-01-13. Review status: criteria provided, single submitter. Criteria: ICSL Variant Classification Criteria 13 December 2019. Collection method: clinical testing. Allele origin: germline.
Comment: This variant was observed in the ICSL laboratory as part of a predisposition screen in an ostensibly healthy population. It had not been previously curated by ICSL or reported in the Human Gene Mutation Database (HGMD: prior to June 1st, 2018), and was therefore a candidate for classification through an automated scoring system. Utilizing variant allele frequency, disease prevalence and penetrance estimates, and inheritance mode, an automated score was calculated to assess if this variant is too frequent to cause the disease. Based on the score and internal cut-off values, a variant classified as benign is not then subjected to further curation. The score for this variant resulted in a classification of benign for this disease.